The following is an entry in ClinVar:

NM_058216.3(RAD51C):c.489T>A (p.Ser163Arg)

Gene: RAD51C (RAD51 paralog C; plus strand). Cytogenetic location: 17q22.
Variant type: single nucleotide variant.
Coding change: c.489T>A on transcript NM_058216.3 (MANE Select); coding-DNA position 489, T replaced by A.
Protein change: p.Ser163Arg; replaces serine 163 with arginine.
Molecular consequence: missense variant.
Genome position (GRCh38, 1-based): chr17:58,696,777, T>A. VCF-style: chr17-58696777-T-A. GRCh37 (hg19) VCF-style: chr17-56774138-T-A.
Other names: c.489T>A (LRG_314t1); short protein forms S163R.
Identifiers: ClinVar variation 232358 (VCV000232358.25), dbSNP rs876659719, ClinGen allele CA10580741.
Genomic context (GRCh38, chr17:58,696,777, plus strand): 5'-GATACCAGAATGTTTTGGAGGAGTGGCAGGTGAAGCAGTTTTTATTGATACAGAGGGAAG[T>A]TTTATGGTTGATAGAGTGGTAGACCTTGCTACTGCCTGCATTCAGCACCTTCAGCTTATA-3'
Protein context (NP_478123.1, residues 153-173): GEAVFIDTEG[Ser163Arg]FMVDRVVDLA

ClinVar aggregate classification (germline): Uncertain significance. Review status: criteria provided, multiple submitters, no conflicts (2 of 4 stars). 8 submissions from 8 submitters: Uncertain significance (8). Last evaluated 2025-08-27.

Conditions:
Breast-ovarian cancer, familial, susceptibility to, 3. Also called: RAD51C-Related Breast/Ovarian Cancer. Identifiers: Orphanet 145, MedGen C3150659, MONDO:0013253, OMIM 613399.
Fanconi anemia complementation group O. Also called: RAD51C-Related Fanconi Anemia. Identifiers: Orphanet 84, MedGen C3150653, MONDO:0013248, OMIM 613390.
Hereditary cancer-predisposing syndrome. Also called: Hereditary Cancer Syndrome; Neoplastic Syndromes, Hereditary; Tumor predisposition; Hereditary neoplastic syndrome. Identifiers: Orphanet 140162, MedGen C0027672, MeSH D009386, MONDO:0015356.

Allele frequency attached by ClinVar (database versions not stated): gnomAD exomes 0.00001.
gnomAD v4.1: 7 of 1,614,038 alleles (0.00043%); highest among the groups gnomAD compares: Non-Finnish European, 0.00042%; no homozygotes.

Submissions (8):

Labcorp Genetics (formerly Invitae), Labcorp
Classification: Uncertain significance for Fanconi anemia complementation group O. Last evaluated: 2025-08-27. Review status: criteria provided, single submitter. Criteria: Invitae Variant Classification Sherloc (09022015). Collection method: clinical testing. Allele origin: germline.
Comment: This sequence change replaces serine, which is neutral and polar, with arginine, which is basic and polar, at codon 163 of the RAD51C protein (p.Ser163Arg). This variant is not present in population databases (gnomAD no frequency). This variant has not been reported in the literature in individuals affected with RAD51C-related conditions. ClinVar contains an entry for this variant (Variation ID: 232358). Invitae Evidence Modeling of protein sequence and biophysical properties (such as structural, functional, and spatial information, amino acid conservation, physicochemical variation, residue mobility, and thermodynamic stability) indicates that this missense variant is expected to disrupt RAD51C protein function with a positive predictive value of 80%. Experimental studies have shown that this missense change affects RAD51C function (PMID: 37253112). In summary, the available evidence is currently insufficient to determine the role of this variant in disease. Therefore, it has been classified as a Variant of Uncertain Significance.

Ambry Genetics
Classification: Uncertain significance for Hereditary cancer-predisposing syndrome. Last evaluated: 2024-08-12. Review status: criteria provided, single submitter. Criteria: Ambry Variant Classification Scheme 2023. Collection method: clinical testing. Allele origin: germline.
Comment: The p.S163R variant (also known as c.489T>A), located in coding exon 3 of the RAD51C gene, results from a T to A substitution at nucleotide position 489. The serine at codon 163 is replaced by arginine, an amino acid with dissimilar properties. This amino acid position is highly conserved in available vertebrate species. In addition, the in silico prediction for this alteration is inconclusive. Since supporting evidence is limited at this time, the clinical significance of this alteration remains unclear.

Fulgent Genetics
Classification: Uncertain significance for Fanconi anemia complementation group O; Breast-ovarian cancer, familial, susceptibility to, 3. Last evaluated: 2024-03-27. Review status: criteria provided, single submitter. Criteria: ACMG Guidelines, 2015. Collection method: clinical testing. Allele origin: germline.

GeneDx
Classification: Uncertain significance. Last evaluated: 2023-07-21. Review status: criteria provided, single submitter. Criteria: GeneDx Variant Classification Process June 2021. Collection method: clinical testing. Allele origin: germline. Affected: yes.
Comment: Not observed at significant frequency in large population cohorts (gnomAD); In silico analysis supports that this missense variant has a deleterious effect on protein structure/function; Published functional studies suggest a damaging effect: demonstrates reduced HDR activity, impaired binding, and sensitivity to PARP inhibitors (Hu et al., 2023); This variant is associated with the following publications: (PMID: 14704354, 37253112)

Women's Health and Genetics/Laboratory Corporation of America, LabCorp
Classification: Uncertain significance. Last evaluated: 2022-05-26. Review status: criteria provided, single submitter. Criteria: LabCorp Variant Classification Summary - May 2015. Collection method: clinical testing. Allele origin: germline.

Sema4
Classification: Uncertain significance for Hereditary cancer-predisposing syndrome. Last evaluated: 2022-02-01. Review status: criteria provided, single submitter. Criteria: Sema4 Curation Guidelines. Collection method: curation. Allele origin: germline.
Comment: The RAD51C c.489T>A (p.S163R) variant has not been reported in the literature to our knowledge. It was not observed in the large and broad cohorts of the Genome Aggregation Database (PMID: 32461654). The variant has been reported in ClinVar (Variation ID 232358). Functional studies have not been performed, and in silico predictions of the variant's effect on protein function are inconclusive. The evidence is insufficient to meet ACMG/AMP criteria for classifying the variant as benign or pathogenic. Thus, the clinical significance of this variant is currently uncertain.

Color Diagnostics, LLC DBA Color Health
Classification: Uncertain significance for Hereditary cancer-predisposing syndrome. Last evaluated: 2020-11-09. Review status: criteria provided, single submitter. Criteria: ACMG Guidelines, 2015. Collection method: clinical testing. Allele origin: germline.
Comment: This missense variant replaces serine with arginine at codon 163 of the RAD51C protein. Computational prediction suggests that this variant may not impact protein structure and function (internally defined REVEL score threshold <= 0.5, PMID: 27666373). To our knowledge, functional studies have not been reported for this variant. This variant has not been reported in individuals affected with hereditary cancer in the literature. This variant has not been identified in the general population by the Genome Aggregation Database (gnomAD). The available evidence is insufficient to determine the role of this variant in disease conclusively. Therefore, this variant is classified as a Variant of Uncertain Significance.

Quest Diagnostics Nichols Institute San Juan Capistrano
Classification: Uncertain significance. Last evaluated: 2020-10-16. Review status: criteria provided, single submitter. Criteria: Quest Diagnostics criteria. Collection method: clinical testing. Allele origin: unknown.

Literature cited by the submitters: PubMed 37253112 (cited by Labcorp Genetics (formerly Invitae), Labcorp).